The following is an entry in ClinVar:

NM_006516.4(SLC2A1):c.640dup (p.Leu214fs)

Gene: SLC2A1 (solute carrier family 2 member 1; minus strand). Cytogenetic location: 1p34.2.
Variant type: Duplication.
Coding change: c.640dup on transcript NM_006516.4 (MANE Select); coding-DNA position 640, one base duplicated (C; older notation c.640dupC).
Protein change: p.Leu214fs; shifts the reading frame from leucine 214.
Molecular consequence: frameshift variant.
Genome position (GRCh38, 1-based): chr1:42,929,912, G duplicated on the plus strand (C on the coding strand, the reverse complement: SLC2A1 is on the minus strand); the first of 2 consecutive G bases (chr1:42,929,912-42,929,913); duplicating either gives the same sequence. VCF-style (leftmost placement, unchanged base first): chr1-42929911-A-AG. GRCh37 (hg19) VCF-style: chr1-43395582-A-AG.
Other names: short protein forms L214fs.
Identifiers: ClinVar variation 2697810 (VCV002697810.3), dbSNP rs2524993821, ClinGen allele CA2697552359.

ClinVar aggregate classification (germline): Pathogenic (1 of 4 stars; one submission).

Conditions:
GLUT1 deficiency syndrome 1, autosomal recessive. Identifiers: MedGen C3149117.

Submission:

Labcorp Genetics (formerly Invitae), Labcorp
Classification: Pathogenic for GLUT1 deficiency syndrome 1, autosomal recessive. Last evaluated: 2023-11-20. Review status: criteria provided, single submitter. Criteria: Invitae Variant Classification Sherloc (09022015). Collection method: clinical testing. Allele origin: germline.
Comment: This sequence change creates a premature translational stop signal (p.Leu214Profs*23) in the SLC2A1 gene. It is expected to result in an absent or disrupted protein product. Loss-of-function variants in SLC2A1 are known to be pathogenic (PMID: 21832227, 26193382). This variant is not present in population databases (gnomAD no frequency). This variant has not been reported in the literature in individuals affected with SLC2A1-related conditions. For these reasons, this variant has been classified as Pathogenic.

Literature cited by the submitters: PubMed 21832227; PubMed 26193382.